The following is an entry in ClinVar:

NM_021072.4(HCN1):c.313G>A (p.Gly105Arg)

Gene: HCN1 (hyperpolarization activated cyclic nucleotide gated potassium channel 1; minus strand). Cytogenetic location: 5p12.
Variant type: single nucleotide variant.
Coding change: c.313G>A on transcript NM_021072.4 (MANE Select); coding-DNA position 313, G replaced by A.
Protein change: p.Gly105Arg; replaces glycine 105 with arginine.
Molecular consequence: missense variant.
Genome position (GRCh38, 1-based): chr5:45,695,781, C>T on the plus strand (G>A on the coding strand, the complement: HCN1 is on the minus strand). VCF-style: chr5-45695781-C-T. GRCh37 (hg19) VCF-style: chr5-45695883-C-T.
Other names: short protein forms G105R.
Identifiers: ClinVar variation 1728069 (VCV001728069.2), dbSNP rs2112108889, ClinGen allele CA359706301.

ClinVar aggregate classification (germline): Uncertain significance (1 of 4 stars; one submission).

Conditions:
Inborn genetic diseases. Identifiers: MedGen C0950123, MeSH D030342.

Submission:

Ambry Genetics
Classification: Uncertain significance for Inborn genetic diseases. Last evaluated: 2018-01-11. Review status: criteria provided, single submitter. Criteria: Ambry Variant Classification Scheme 2023. Collection method: clinical testing. Allele origin: germline.
Comment: The p.G105R variant (also known as c.313G>A), located in coding exon 1 of the HCN1 gene, results from a G to A substitution at nucleotide position 313. The glycine at codon 105 is replaced by arginine, an amino acid with dissimilar properties. This amino acid position is highly conserved in available vertebrate species. In addition, this alteration is predicted to be deleterious by in silico analysis. Since supporting evidence is limited at this time, the clinical significance of this alteration remains unclear.